The following is an entry in ClinVar:

NM_000053.4(ATP7B):c.111T>A (p.Phe37Leu)

Gene: ATP7B (ATPase copper transporting beta; minus strand). Cytogenetic location: 13q14.3.
Variant type: single nucleotide variant.
Coding change: c.111T>A on transcript NM_000053.4 (MANE Select); coding-DNA position 111, T replaced by A.
Protein change: p.Phe37Leu; replaces phenylalanine 37 with leucine.
Molecular consequence: missense variant.
Genome position (GRCh38, 1-based): chr13:51,975,109, A>T on the plus strand (T>A on the coding strand, the complement: ATP7B is on the minus strand). VCF-style: chr13-51975109-A-T. GRCh37 (hg19) VCF-style: chr13-52549245-A-T.
Other names: c.111T>A, p.Phe37Leu (NM_001005918.3, NM_001243182.2, NM_001330578.2 and 1 more transcripts); short protein forms F37L.
Identifiers: ClinVar variation 1420069 (VCV001420069.7), dbSNP rs748698125, ClinGen allele CA6989614.
Genomic context (GRCh38, chr13:51,975,109, plus strand): 5'-CACCTGAGAAGAAGGGCCCAGGCCATCCAGACCACCTTCATAGCCAACATTGTCAAAAGC[A>T]AAACTCTTCTTCATTGCTGGTTCCCAGGCACGGGTAGGCAAAGAAAGCTTAGATAAGATC-3'
Protein context (NP_000044.2, residues 27-47): RAWEPAMKKS[Phe37Leu]AFDNVGYEGG

ClinVar aggregate classification (germline): Uncertain significance. Review status: criteria provided, multiple submitters, no conflicts (2 of 4 stars). 4 submissions from 4 submitters: Uncertain significance (4). Last evaluated 2024-09-23.

Conditions:
Wilson disease (WND). Also called: Wilson's disease. Identifiers: Orphanet 905, MedGen C0019202, MONDO:0010200, OMIM 277900. Disease mechanism: loss of function.

Allele frequency attached by ClinVar (database versions not stated): ExAC 0.00001; gnomAD exomes 0.00001; gnomAD 0.00003.
gnomAD v4.1: 85 of 1,614,158 alleles (0.0053%); highest among the groups gnomAD compares: Non-Finnish European, 0.0067%; no homozygotes.

Submissions (4):

All of Us Research Program, National Institutes of Health
Classification: Uncertain significance for Wilson disease. Last evaluated: 2024-09-23. Review status: criteria provided, single submitter. Criteria: ACMG Guidelines, 2015. Collection method: clinical testing. Allele origin: germline. Inheritance: Autosomal recessive inheritance. Observed: 6 variant alleles, 6 heterozygotes.
Comment: This missense variant replaces phenylalanine with leucine at codon 37 of the ATP7B protein. Computational prediction is inconclusive regarding the impact of this variant on protein structure and function (internally defined REVEL score threshold 0.5 < inconclusive < 0.7, PMID: 27666373). To our knowledge, functional studies have not been reported for this variant. This variant has not been reported in individuals affected with ATP7B-related disorders in the literature. This variant has been identified in 2/249454 chromosomes in the general population by the Genome Aggregation Database (gnomAD). The available evidence is insufficient to determine the role of this variant in disease conclusively. Therefore, this variant is classified as a Variant of Uncertain Significance.

This study involves interpretation of variants in research participants for the purpose of population health screening. Participant phenotype was not available at the time of variant classification. Additional details can be found in publication PMID: 35346344, PMCID: PMC8962531

Color Diagnostics, LLC DBA Color Health
Classification: Uncertain significance for Wilson disease. Last evaluated: 2023-04-27. Review status: criteria provided, single submitter. Criteria: ACMG Guidelines, 2015. Collection method: clinical testing. Allele origin: germline.
Comment: This missense variant replaces phenylalanine with leucine at codon 37 of the ATP7B protein. Computational prediction is inconclusive regarding the impact of this variant on protein structure and function. To our knowledge, functional studies have not been reported for this variant. This variant has not been reported in individuals affected with ATP7B-related disorders in the literature. This variant has been identified in 2/249454 chromosomes in the general population by the Genome Aggregation Database (gnomAD). The available evidence is insufficient to determine the role of this variant in disease conclusively. Therefore, this variant is classified as a Variant of Uncertain Significance.

Fulgent Genetics
Classification: Uncertain significance for Wilson disease. Last evaluated: 2021-11-30. Review status: criteria provided, single submitter. Criteria: ACMG Guidelines, 2015. Collection method: clinical testing. Allele origin: unknown.

Labcorp Genetics (formerly Invitae), Labcorp
Classification: Uncertain significance for Wilson disease. Last evaluated: 2021-11-08. Review status: criteria provided, single submitter. Criteria: Invitae Variant Classification Sherloc (09022015). Collection method: clinical testing. Allele origin: germline.
Comment: This sequence change replaces phenylalanine, which is neutral and non-polar, with leucine, which is neutral and non-polar, at codon 37 of the ATP7B protein (p.Phe37Leu). This variant is present in population databases (rs748698125, gnomAD 0.0009%). This variant has not been reported in the literature in individuals affected with ATP7B-related conditions. Advanced modeling of protein sequence and biophysical properties (such as structural, functional, and spatial information, amino acid conservation, physicochemical variation, residue mobility, and thermodynamic stability) performed at Invitae indicates that this missense variant is not expected to disrupt ATP7B protein function. In summary, the available evidence is currently insufficient to determine the role of this variant in disease. Therefore, it has been classified as a Variant of Uncertain Significance.